The following is an entry in ClinVar:

ClinVar aggregate classification (germline): Uncertain significance. Review status: criteria provided, multiple submitters, no conflicts (2 of 4 stars). 2 submissions from 2 submitters: Uncertain significance (2). Last evaluated 2023-12-05.

Conditions:
Hereditary nonpolyposis colorectal neoplasms. Identifiers: MedGen C0009405, MeSH D003123.
Hereditary cancer-predisposing syndrome. Also called: Hereditary neoplastic syndrome; Tumor predisposition; Hereditary Cancer Syndrome; Neoplastic Syndromes, Hereditary. Identifiers: Orphanet 140162, MedGen C0027672, MeSH D009386, MONDO:0015356.

Submissions (2):

Color Diagnostics, LLC DBA Color Health
Classification: Uncertain significance for Hereditary cancer-predisposing syndrome. Last evaluated: 2023-12-05. Review status: criteria provided, single submitter. Criteria: ACMG Guidelines, 2015. Collection method: clinical testing. Allele origin: germline.
Comment: This missense variant replaces glutamic acid with glycine at codon 547 of the MSH6 protein. Computational prediction suggests that this variant may not impact protein structure and function (internally defined REVEL score threshold <= 0.5, PMID: 27666373). To our knowledge, functional studies have not been reported for this variant. This variant has not been reported in individuals affected with MSH6-related disorders in the literature. This variant has not been identified in the general population by the Genome Aggregation Database (gnomAD). The available evidence is insufficient to determine the role of this variant in disease conclusively. Therefore, this variant is classified as a Variant of Uncertain Significance.

Labcorp Genetics (formerly Invitae), Labcorp
Classification: Uncertain significance for Hereditary nonpolyposis colorectal neoplasms. Last evaluated: 2022-07-26. Review status: criteria provided, single submitter. Criteria: Invitae Variant Classification Sherloc (09022015). Collection method: clinical testing. Allele origin: germline.
Comment: In summary, the available evidence is currently insufficient to determine the role of this variant in disease. Therefore, it has been classified as a Variant of Uncertain Significance. Advanced modeling of protein sequence and biophysical properties (such as structural, functional, and spatial information, amino acid conservation, physicochemical variation, residue mobility, and thermodynamic stability) performed at Invitae indicates that this missense variant is not expected to disrupt MSH6 protein function. ClinVar contains an entry for this variant (Variation ID: 491877). This variant has not been reported in the literature in individuals affected with MSH6-related conditions. This variant is not present in population databases (gnomAD no frequency). This sequence change replaces glutamic acid, which is acidic and polar, with glycine, which is neutral and non-polar, at codon 547 of the MSH6 protein (p.Glu547Gly).

NM_000179.3(MSH6):c.1640A>G (p.Glu547Gly)

Gene: MSH6 (mutS homolog 6; plus strand). Cytogenetic location: 2p16.3.
Variant type: single nucleotide variant.
Coding change: c.1640A>G on transcript NM_000179.3 (MANE Select); coding-DNA position 1640, A replaced by G.
Protein change: p.Glu547Gly; replaces glutamic acid 547 with glycine.
Molecular consequence: missense variant.
Genome position (GRCh38, 1-based): chr2:47,799,623, A>G. VCF-style: chr2-47799623-A-G. GRCh37 (hg19) VCF-style: chr2-48026762-A-G.
Other names: c.734A>G, p.Glu245Gly (NM_001281494.2, NM_001281493.2); c.1250A>G, p.Glu417Gly (NM_001281492.2); short protein forms E547G, E245G, E417G.
Identifiers: ClinVar variation 491877 (VCV000491877.10), dbSNP rs1553413026, ClinGen allele CA346747204.